The following is an entry in ClinVar:

NM_004006.3(DMD):c.2897A>C (p.Gln966Pro)

Gene: DMD (dystrophin; minus strand). Cytogenetic location: Xp21.1.
Variant type: single nucleotide variant.
Coding change: c.2897A>C on transcript NM_004006.3 (MANE Select); coding-DNA position 2897, A replaced by C.
Protein change: p.Gln966Pro; replaces glutamine 966 with proline.
Molecular consequence: missense variant.
Genome position (GRCh38, 1-based): chrX:32,472,216, T>G on the plus strand (A>C on the coding strand, the complement: DMD is on the minus strand). VCF-style: chrX-32472216-T-G. GRCh37 (hg19) VCF-style: chrX-32490333-T-G.
Other names: c.2873A>C, p.Gln958Pro (NM_000109.4); c.2885A>C, p.Gln962Pro (NM_004009.3); c.2528A>C, p.Gln843Pro (NM_004010.3); short protein forms Q958P, Q966P, Q843P, Q962P.
Identifiers: ClinVar variation 2111920 (VCV002111920.4), dbSNP rs2524676634, ClinGen allele CA412667994.
Genomic context (GRCh38, chrX:32,472,216, plus strand): 5'-TCACAGACCTGCAATTCCCCGAGTCTCTGCTCCATGATTTCATAGTCGGTGACACTAAGT[T>G]GAGGTATGGAGAGTTTGGTTTCTGACTGCTGGACCCATGTCCTGATGGCACTCATGGTCT-3'
Protein context (NP_003997.2, residues 956-976): QQSETKLSIP[Gln966Pro]LSVTDYEIME

ClinVar aggregate classification (germline): Uncertain significance (1 of 4 stars; one submission).

Conditions:
Duchenne muscular dystrophy (DMD). Also called: MUSCULAR DYSTROPHY, PSEUDOHYPERTROPHIC PROGRESSIVE, DUCHENNE TYPE; Duchenne Muscular Dystrophy (DMD). Identifiers: Orphanet 98896, MedGen C0013264, MONDO:0010679, OMIM 310200.

Submission:

Labcorp Genetics (formerly Invitae), Labcorp
Classification: Uncertain significance for Duchenne muscular dystrophy. Last evaluated: 2022-11-15. Review status: criteria provided, single submitter. Criteria: Invitae Variant Classification Sherloc (09022015). Collection method: clinical testing. Allele origin: germline.
Comment: In summary, the available evidence is currently insufficient to determine the role of this variant in disease. Therefore, it has been classified as a Variant of Uncertain Significance. Advanced modeling of protein sequence and biophysical properties (such as structural, functional, and spatial information, amino acid conservation, physicochemical variation, residue mobility, and thermodynamic stability) performed at Invitae indicates that this missense variant is not expected to disrupt DMD protein function. This variant has not been reported in the literature in individuals affected with DMD-related conditions. This variant is not present in population databases (gnomAD no frequency). This sequence change replaces glutamine, which is neutral and polar, with proline, which is neutral and non-polar, at codon 966 of the DMD protein (p.Gln966Pro).